The following is an entry in ClinVar:

NM_000780.4(CYP7A1):c.273C>T (p.His91=)

Gene: CYP7A1 (cytochrome P450 family 7 subfamily A member 1; minus strand). Cytogenetic location: 8q12.1.
Variant type: single nucleotide variant.
Coding change: c.273C>T on transcript NM_000780.4 (MANE Select); coding-DNA position 273, C replaced by T.
Protein change: p.His91=; no amino-acid change (histidine 91 retained).
Molecular consequence: synonymous variant.
Genome position (GRCh38, 1-based): chr8:58,498,277, G>A on the plus strand (C>T on the coding strand, the complement: CYP7A1 is on the minus strand). VCF-style: chr8-58498277-G-A. GRCh37 (hg19) VCF-style: chr8-59410836-G-A.
Identifiers: ClinVar variation 4979517 (VCV004979517.1).

ClinVar aggregate classification (germline): Likely benign (1 of 4 stars; one submission).

Conditions:
CYP7A1-related disorder. Also called: CYP7A1-related condition.

gnomAD v4.1: 32 of 1,614,048 alleles (0.002%); highest among the groups gnomAD compares: South Asian, 0.011%; 2 homozygotes.

Submission:

PreventionGenetics, part of Exact Sciences
Classification: Likely benign for CYP7A1-related condition. Last evaluated: 2024-10-09. Review status: criteria provided, single submitter. Criteria: ACMG Guidelines, 2015. Collection method: clinical testing. Allele origin: germline.
Comment: This variant is classified as likely benign based on ACMG/AMP sequence variant interpretation guidelines (Richards et al. 2015 PMID: 25741868, with internal and published modifications).